The following is an entry in ClinVar:

NM_001079668.3(NKX2-1):c.1106C>T (p.Ala369Val)

Genes: NKX2-1 (NK2 homeobox 1; minus strand), SFTA3 (surfactant associated 3; minus strand). Cytogenetic location: 14q13.3.
Variant type: single nucleotide variant.
Coding change: c.1106C>T on transcript NM_001079668.3 (MANE Select); coding-DNA position 1106, C replaced by T.
Protein change: p.Ala369Val; replaces alanine 369 with valine.
Molecular consequence: missense variant.
Genome position (GRCh38, 1-based): chr14:36,517,378, G>A on the plus strand (C>T on the coding strand, the complement: NKX2-1 is on the minus strand). VCF-style: chr14-36517378-G-A. GRCh37 (hg19) VCF-style: chr14-36986583-G-A.
Other names: c.1016C>T, p.Ala339Val (NM_003317.4); short protein forms A339V, A369V.
Identifiers: ClinVar variation 487553 (VCV000487553.10), dbSNP rs537209983, ClinGen allele CA7158414.

ClinVar aggregate classification (germline): Conflicting classifications of pathogenicity. Review status: criteria provided, conflicting classifications (1 of 4 stars). 5 submissions from 4 submitters: Uncertain significance (1); Likely benign (3). 1 of the submissions does not count toward it. Last evaluated 2023-08-11.

Conditions:
Thyroid cancer, nonmedullary, 1. Identifiers: MedGen C4721429, MONDO:0008567, OMIM 188550.
Brain-lung-thyroid syndrome. Also called: Choreoathetosis, Congenital Hypothyroidism, and Neonatal Respiratory Distress Syndrome (Brain-Lung-Thyroid Syndrome); Choreoathetosis, congenital hypothyroidism, and neonatal respiratory distress; CHOREOATHETOSIS AND CONGENITAL HYPOTHYROIDISM WITH PULMONARY DYSFUNCTION. Identifiers: Orphanet 209905, MedGen C1970269, MONDO:0012593, OMIM 610978.
Benign hereditary chorea (BHC). Also called: Benign Hereditary Chorea (BHC); HEREDITARY PROGRESSIVE CHOREA WITHOUT DEMENTIA. Identifiers: Orphanet 1429, MedGen C0393584, MONDO:0021011, OMIM 118700.

Allele frequency attached by ClinVar (database versions not stated): TOPMed 0.00006; gnomAD 0.00009 and 0.00011; gnomAD exomes 0.00017; ExAC 0.00027; 1000 Genomes Project 30x 0.00031; 1000 Genomes Project 0.00040.

Submissions (5):

Labcorp Genetics (formerly Invitae), Labcorp
Classification: Likely benign. Last evaluated: 2023-08-11. Review status: criteria provided, single submitter. Criteria: Invitae Variant Classification Sherloc (09022015). Collection method: clinical testing. Allele origin: germline.

Mendelics
Classification: Uncertain significance for Brain-lung-thyroid syndrome. Last evaluated: 2019-05-28. Review status: criteria provided, single submitter. Criteria: Mendelics Assertion Criteria 2017. Collection method: clinical testing. Allele origin: unknown.

Illumina Laboratory Services, Illumina
Classification: Likely benign for Brain-lung-thyroid syndrome. Last evaluated: 2017-04-27. Review status: criteria provided, single submitter. Criteria: ICSL Variant Classification Criteria 13 December 2019. Collection method: clinical testing. Allele origin: germline.
Comment: This variant was observed as part of a predisposition screen in an ostensibly healthy population. A literature search was performed for the gene, cDNA change, and amino acid change (where applicable). No publications were found based on this search. Allele frequency data from public databases allowed determination this variant is unlikely to cause disease. Therefore, this variant is classified as likely benign.

Illumina Laboratory Services, Illumina
Classification: Likely benign for Benign hereditary chorea. Last evaluated: 2017-04-27. Review status: criteria provided, single submitter. Criteria: ICSL Variant Classification Criteria 13 December 2019. Collection method: clinical testing. Allele origin: germline.
Comment: the same text as in the submission from Illumina Laboratory Services, Illumina above.

OMIM
Classification: Pathogenic for THYROID CANCER, NONMEDULLARY, 1. Last evaluated: 2016-10-17. Review status: no assertion criteria provided. Collection method: literature only. Allele origin: germline. Not counted in ClinVar's aggregate classification.

Literature cited by the submitters: PubMed 19176457 (cited by OMIM).